The following is an entry in ClinVar:

ClinVar aggregate classification (germline): Uncertain significance (1 of 4 stars; one submission).

Allele frequency attached by ClinVar (database versions not stated): gnomAD exomes below 0.00001.
gnomAD v4.1: 5 of 1,602,714 alleles (0.00031%); highest among the groups gnomAD compares: South Asian, 0.0011%; no homozygotes.

Submission:

GeneDx
Classification: Uncertain significance. Last evaluated: 2022-07-19. Review status: criteria provided, single submitter. Criteria: GeneDx Variant Classification Process June 2021. Collection method: clinical testing. Allele origin: germline. Affected: yes.
Comment: Not observed at significant frequency in large population cohorts (gnomAD); In silico analysis supports that this missense variant has a deleterious effect on protein structure/function; Has not been previously published as pathogenic or benign to our knowledge

NM_002335.4(LRP5):c.4778C>T (p.Ser1593Leu)

Gene: LRP5 (LDL receptor related protein 5; plus strand). Cytogenetic location: 11q13.2.
Variant type: single nucleotide variant.
Coding change: c.4778C>T on transcript NM_002335.4 (MANE Select); coding-DNA position 4778, C replaced by T.
Protein change: p.Ser1593Leu; replaces serine 1593 with leucine.
Molecular consequence: missense variant.
Genome position (GRCh38, 1-based): chr11:68,449,000, C>T. VCF-style: chr11-68449000-C-T. GRCh37 (hg19) VCF-style: chr11-68216468-C-T.
Other names: c.3035C>T, p.Ser1012Leu (NM_001291902.2); short protein forms S1593L, S1012L.
Identifiers: ClinVar variation 2136242 (VCV002136242.1), dbSNP rs1205746483, ClinGen allele CA381618635.